The following is an entry in ClinVar:

NM_000018.4(ACADVL):c.664G>C (p.Gly222Arg)

Gene: ACADVL (acyl-CoA dehydrogenase very long chain; plus strand). Cytogenetic location: 17p13.1.
Variant type: single nucleotide variant.
Coding change: c.664G>C on transcript NM_000018.4 (MANE Select); coding-DNA position 664, G replaced by C.
Protein change: p.Gly222Arg; replaces glycine 222 with arginine.
Molecular consequence: missense variant.
Genome position (GRCh38, 1-based): chr17:7,221,993, G>C. VCF-style: chr17-7221993-G-C. GRCh37 (hg19) VCF-style: chr17-7125312-G-C.
Other names: c.598G>C, p.Gly200Arg (NM_001033859.3); c.733G>C, p.Gly245Arg (NM_001270447.2); c.436G>C, p.Gly146Arg (NM_001270448.2); c.664G>C (NM_000018.3); short protein forms G200R, G222R, G245R, G146R.
Identifiers: ClinVar variation 1208304 (VCV001208304.24), dbSNP rs398123091, ClinGen allele CA397723419.

ClinVar aggregate classification (germline): Pathogenic/Likely pathogenic. Review status: criteria provided, multiple submitters, no conflicts (2 of 4 stars). 6 submissions from 6 submitters: Pathogenic (4); Likely pathogenic (2). Last evaluated 2026-02-24.

Conditions:
Very long chain acyl-CoA dehydrogenase deficiency (ACADVLD). Also called: VLCAD Deficiency; Very Long-Chain Acyl-Coenzyme A Dehydrogenase Deficiency. Identifiers: Orphanet 26793, MedGen C3887523, MONDO:0008723, OMIM 201475.

Submissions (6):

Myriad Genetics, Inc.
Classification: Likely pathogenic for Very long chain acyl-CoA dehydrogenase deficiency. Last evaluated: 2026-02-24. Review status: criteria provided, single submitter. Criteria: Myriad Autosomal Dominant, Autosomal Recessive and X-Linked Classification Criteria (2023). Collection method: clinical testing. Allele origin: unknown.
Comment: NM_000018.3(ACADVL):c.664G>C(G222R) is a missense variant classified as likely pathogenic in the context of very-long-chain acyl-CoA dehydrogenase deficiency. G222R has been observed in cases with relevant disease (PMID: 24801231, 25652019, Yuyu_2016_(Abstract), Yanyun_2021_(Article)). Relevant functional assessments of this variant are not available in the literature. G222R has been observed in referenced population frequency databases. In summary, NM_000018.3(ACADVL):c.664G>C(G222R) is a missense variant that has been observed more frequently in cases with the relevant disease than in healthy populations. Please note: this variant was assessed in the context of healthy population screening.

Labcorp Genetics (formerly Invitae), Labcorp
Classification: Pathogenic for Very long chain acyl-CoA dehydrogenase deficiency. Last evaluated: 2025-09-10. Review status: criteria provided, single submitter. Criteria: Invitae Variant Classification Sherloc (09022015). Collection method: clinical testing. Allele origin: germline.
Comment: This sequence change replaces glycine, which is neutral and non-polar, with arginine, which is basic and polar, at codon 222 of the ACADVL protein (p.Gly222Arg). This variant is present in population databases (no rsID available, gnomAD 0.006%). This missense change has been observed in individual(s) with very long chain acyl-CoA dehydrogenase (VLCAD) deficiency (PMID: 24801231, 24898617, 25652019; internal data). ClinVar contains an entry for this variant (Variation ID: 1208304). Invitae Evidence Modeling of protein sequence and biophysical properties (such as structural, functional, and spatial information, amino acid conservation, physicochemical variation, residue mobility, and thermodynamic stability) indicates that this missense variant is expected to disrupt ACADVL protein function with a positive predictive value of 80%. For these reasons, this variant has been classified as Pathogenic.

Natera, Inc.
Classification: Pathogenic for Very long chain acyl-CoA dehydrogenase deficiency. Last evaluated: 2024-08-16. Review status: criteria provided, single submitter. Criteria: Natera Variant Classification Schema (03/2026). Collection method: clinical testing. Allele origin: germline.
Comment: The c.664G>C variant in ACADVL is a missense variant predicted to cause substitution of glycine to arginine at amino acid 222. This variant is rare in the general population with a frequency below the threshold expected for the associated phenotype(s). This variant has been observed in one or more individuals affected with the associated recessive disease, as either homozygous or compound heterozygous with a second variant (PMID: 25652019, 24801231). This variant is located in a functionally critical region of the protein. Another variant at this same site results in an alteration predicted to cause a similar molecular effect has been observed in individual(s) with the associated phenotype. Computational prediction algorithms indicate this variant is likely to affect gene or protein function. Given the available evidence, this variant is classified as Pathogenic.

Baylor Genetics
Classification: Pathogenic for Very long chain acyl-CoA dehydrogenase deficiency. Last evaluated: 2024-02-11. Review status: criteria provided, single submitter. Criteria: ACMG Guidelines, 2015. Collection method: clinical testing. Allele origin: unknown.

ARUP Laboratories, Molecular Genetics and Genomics, ARUP Laboratories
Classification: Pathogenic for Very long chain acyl-CoA dehydrogenase deficiency. Last evaluated: 2021-09-09. Review status: criteria provided, single submitter. Criteria: ARUP Molecular Germline Variant Investigation Process 2021. Collection method: clinical testing. Allele origin: germline.
Comment: The ACADVL c.664G>C; p.Gly222Arg variant (rs398123091) is reported in the literature in multiple individuals affected with very long-chain acyl-CoA dehydrogenase deficiency (VLCADD) (Zhang 2014, Li 2015, Qian 2017). This variant is reported in ClinVar (Variation ID: 1208304) and is only observed on one allele in the Genome Aggregation Database, indicating it is not a common polymorphism. The glycine at codon 222 is highly conserved, and computational analyses predict that this variant is deleterious (REVEL: 0.983). Additionally, the same amino acid change caused by another variant at this nucleotide position (c.664G>A; p.Gly222Arg) has been reported in individuals with VLCADD (Gobin-Limballe 2010, Voermans 2006) and ClinVar (Variation ID: 92289). Glycine 222 is part of a conserved GSD segment critical for cofactor binding, and p.Gly222Arg is predicted to disrupt this interaction (Gobin-Limballe 2010). Furthermore, in vitro functional analyses demonstrate reduced ACADVL protein levels (Gobin-Limballe 2010). Based on available information, the c.664G>C; p.Gly222Arg variant is considered to be pathogenic. References: Zhang RN et al. Clinical features and mutations in seven Chinese patients with very long chain acyl-CoA dehydrogenase deficiency. World J Pediatr. 2014 May;10(2):119-25. PMID: 24801231. Li X et al. Very long-chain acyl-coenzyme A dehydrogenase deficiency in Chinese patients: eight case reports, including one case of prenatal diagnosis. Eur J Med Genet. 2015 Mar;58(3):134-9. PMID: 25652019. Qian J et al. Applying targeted next generation sequencing to dried blood spot specimens from suspicious cases identified by tandem mass spectrometry-based newborn screening. J Pediatr Endocrinol Metab. 2017 Aug 28;30(9):979-988. PMID: 28771436. Gobin-Limballe S et al. Compared effects of missense mutations in Very-Long-Chain Acyl-CoA Dehydrogenase deficiency: Combined analysis by structural, functional and pharmacological approaches. Biochim Biophys Acta. 2010 May;1802(5):478-84. PMID: 20060901 Voermans NC et al. Rhabdomyolysis caused by an inherited metabolic disease: very long-chain acyl-CoA dehydrogenase deficiency. Am J Med. 2006 Feb;119(2):176-9. PMID: 16443431

GeneDx
Classification: Likely pathogenic. Last evaluated: 2021-03-10. Review status: criteria provided, single submitter. Criteria: GeneDx Variant Classification Process June 2021. Collection method: clinical testing. Allele origin: germline. Affected: yes.
Comment: Not observed at a significant frequency in large population cohorts (Lek et al., 2016); In silico analysis supports that this missense variant has a deleterious effect on protein structure/function; This variant is associated with the following publications: (PMID: 16443431, 20060901, 31794763, 24801231, 25652019, 26182500, 21378393)

Literature cited by the submitters: PubMed 24801231 (cited by Labcorp Genetics (formerly Invitae), Labcorp and Natera, Inc.); PubMed 24898617 (cited by Labcorp Genetics (formerly Invitae), Labcorp); PubMed 25652019 (cited by Labcorp Genetics (formerly Invitae), Labcorp and Natera, Inc.).